The following is an entry in ClinVar:

NC_000016.9:g.(?_150350)_(169274_?)dup

Gene: NPRL3 (NPR3 like, GATOR1 complex subunit; minus strand). Cytogenetic location: 16p13.3.
Variant type: Duplication.
Identifiers: ClinVar variation 832936 (VCV000832936.2).

ClinVar aggregate classification (germline): Uncertain significance (1 of 4 stars; one submission).

Conditions:
Epilepsy, familial focal, with variable foci 3 (FFEVF3). Identifiers: MedGen C4310708, MONDO:0014925, OMIM 617118.

Submission:

Labcorp Genetics (formerly Invitae), Labcorp
Classification: Uncertain significance for Epilepsy, familial focal, with variable foci 3. Last evaluated: 2022-11-01. Review status: criteria provided, single submitter. Criteria: Invitae Variant Classification Sherloc (09022015). Collection method: clinical testing. Allele origin: germline.
Comment: This variant results in a copy number gain of the genomic region encompassing exon(s) 4-8 of the NPRL3 gene. While the exact position of this variant cannot be determined from the data, sub-genic copy number gains are generally in tandem (PMID: 25640679). This variant is predicted to be in-frame, and likely preserves the integrity of the reading frame. This variant has not been reported in the literature in individuals affected with NPRL3-related conditions. Experimental studies and prediction algorithms are not available or were not evaluated, and the functional significance of this variant is currently unknown. In summary, the available evidence is currently insufficient to determine the role of this variant in disease. Therefore, it has been classified as a Variant of Uncertain Significance.

Literature cited by the submitters: PubMed 25640679.